The following is an entry in ClinVar:

NM_152594.3(SPRED1):c.27C>T (p.Asp9=)

Gene: SPRED1 (sprouty related EVH1 domain containing 1; plus strand). Cytogenetic location: 15q14.
Variant type: single nucleotide variant.
Coding change: c.27C>T on transcript NM_152594.3 (MANE Select); coding-DNA position 27, C replaced by T.
Protein change: p.Asp9=; no amino-acid change (aspartic acid 9 retained).
Molecular consequence: synonymous variant.
Genome position (GRCh38, 1-based): chr15:38,253,212, C>T. VCF-style: chr15-38253212-C-T. GRCh37 (hg19) VCF-style: chr15-38545413-C-T.
Identifiers: ClinVar variation 179219 (VCV000179219.15), dbSNP rs727504717, ClinGen allele CA183988.

ClinVar aggregate classification (germline): Likely benign. Review status: criteria provided, multiple submitters, no conflicts (2 of 4 stars). 4 submissions from 4 submitters: Likely benign (4). Last evaluated 2025-07-27.

Conditions:
Cardiovascular phenotype. Identifiers: MedGen CN230736.
Legius syndrome. Identifiers: Orphanet 137605, MedGen C1969623, MONDO:0012669, OMIM 611431. Disease mechanism: loss of function.

Allele frequency attached by ClinVar (database versions not stated): gnomAD exomes below 0.00001 and 0.00001; gnomAD 0.00001; TOPMed 0.00001.
gnomAD v4.1: 3 of 1,578,396 alleles (0.00019%); highest among the groups gnomAD compares: Admixed American, 0.0036%; no homozygotes.

Submissions (4):

Labcorp Genetics (formerly Invitae), Labcorp
Classification: Likely benign for Legius syndrome. Last evaluated: 2025-07-27. Review status: criteria provided, single submitter. Criteria: Invitae Variant Classification Sherloc (09022015). Collection method: clinical testing. Allele origin: germline.

Ambry Genetics
Classification: Likely benign for Cardiovascular phenotype. Last evaluated: 2024-07-24. Review status: criteria provided, single submitter. Criteria: Ambry Variant Classification Scheme 2023. Collection method: clinical testing. Allele origin: germline.

Blueprint Genetics
Classification: Likely benign. Last evaluated: 2021-08-13. Review status: criteria provided, single submitter. Criteria: ACMG Guidelines, 2015. Collection method: clinical testing. Allele origin: germline.

Laboratory for Molecular Medicine, Mass General Brigham Personalized Medicine
Classification: Likely benign. Last evaluated: 2013-08-06. Review status: criteria provided, single submitter. Criteria: LMM Criteria. Collection method: clinical testing. Allele origin: germline. Observed: 1 variant allele.
Comment: Asp9Asp in exon 1 of SPRED1: This variant is not expected to have clinical signi ficance because it does not alter an amino acid residue and is not located withi n the splice consensus sequence.